The following is an entry in ClinVar:

ClinVar aggregate classification (germline): Uncertain significance. Review status: criteria provided, multiple submitters, no conflicts (2 of 4 stars). 7 submissions from 7 submitters: Uncertain significance (7). Last evaluated 2025-04-04.

Conditions:
Inborn genetic diseases. Identifiers: MedGen C0950123, MeSH D030342.
Progressive sclerosing poliodystrophy (MTDPS4A). Also called: Mitochondrial DNA depletion syndrome 4A (Alpers type); Mitochondrial DNA Depletion Syndrome 4A; Alpers Syndrome; ALPERS DIFFUSE DEGENERATION OF CEREBRAL GRAY MATTER WITH HEPATIC CIRRHOSIS; Alpers-Huttenlocher Syndrome; ALPERS PROGRESSIVE INFANTILE POLIODYSTROPHY. Identifiers: Orphanet 726, MedGen C0205710, MONDO:0008758, OMIM 203700.

Allele frequency attached by ClinVar (database versions not stated): TOPMed below 0.00001; gnomAD 0.00001; gnomAD exomes 0.00001 and 0.00003; ExAC 0.00002.
gnomAD v4.1: 19 of 1,609,822 alleles (0.0012%); highest among the groups gnomAD compares: Middle Eastern, 0.016%; no homozygotes.

Submissions (7):

Athena Diagnostics
Classification: Uncertain significance. Last evaluated: 2025-04-04. Review status: criteria provided, single submitter. Criteria: Athena Diagnostics Criteria. Collection method: clinical testing. Allele origin: unknown.
Comment: Available data are insufficient to determine the clinical significance of the variant at this time. The frequency of this variant in the general population is uninformative in assessment of its pathogenicity. Polyphen and MutationTaster predict this amino acid change may be benign.

Labcorp Genetics (formerly Invitae), Labcorp
Classification: Uncertain significance for Progressive sclerosing poliodystrophy. Last evaluated: 2025-01-11. Review status: criteria provided, single submitter. Criteria: Invitae Variant Classification Sherloc (09022015). Collection method: clinical testing. Allele origin: germline.
Comment: This sequence change replaces arginine, which is basic and polar, with glutamine, which is neutral and polar, at codon 579 of the POLG protein (p.Arg579Gln). This variant is present in population databases (rs746406535, gnomAD 0.006%). This variant has not been reported in the literature in individuals affected with POLG-related conditions. ClinVar contains an entry for this variant (Variation ID: 588951). Invitae Evidence Modeling of protein sequence and biophysical properties (such as structural, functional, and spatial information, amino acid conservation, physicochemical variation, residue mobility, and thermodynamic stability) has been performed for this missense variant. However, the output from this modeling did not meet the statistical confidence thresholds required to predict the impact of this variant on POLG protein function. This variant disrupts the p.Arg579 amino acid residue in POLG. Other variant(s) that disrupt this residue have been determined to be pathogenic (PMID: 12975295, 33486010). This suggests that this residue is clinically significant, and that variants that disrupt this residue are likely to be disease-causing. In summary, the available evidence is currently insufficient to determine the role of this variant in disease. Therefore, it has been classified as a Variant of Uncertain Significance.

Women's Health and Genetics/Laboratory Corporation of America, LabCorp
Classification: Uncertain significance. Last evaluated: 2023-07-25. Review status: criteria provided, single submitter. Criteria: LabCorp Variant Classification Summary - May 2015. Collection method: clinical testing. Allele origin: germline.
Comment: Variant summary: POLG c.1736G>A (p.Arg579Gln) results in a conservative amino acid change in the encoded protein sequence. Three of five in-silico tools predict a benign effect of the variant on protein function. The variant allele was found at a frequency of 2.8e-05 in 247392 control chromosomes (gnomAD). The available data on variant occurrences in the general population are insufficient to allow any conclusion about variant significance. To our knowledge, no occurrence of c.1736G>A in individuals affected with POLG-Related Spectrum Disorders and no experimental evidence demonstrating its impact on protein function have been reported. Five submitters have cited clinical-significance assessments for this variant to ClinVar after 2014. All submitters classified the variant as uncertain significance. Based on the evidence outlined above, the variant was classified as uncertain significance.

GeneDx
Classification: Uncertain significance. Last evaluated: 2023-07-01. Review status: criteria provided, single submitter. Criteria: GeneDx Variant Classification Process June 2021. Collection method: clinical testing. Allele origin: germline. Affected: yes.
Comment: Has not been previously published as pathogenic or benign to our knowledge; Not observed at significant frequency in large population cohorts (gnomAD); In silico analysis supports that this missense variant does not alter protein structure/function

Wong Mito Lab, Molecular and Human Genetics, Baylor College of Medicine
Classification: Uncertain significance for Progressive sclerosing poliodystrophy. Last evaluated: 2018-10-01. Review status: criteria provided, single submitter. Criteria: ACMG Guidelines, 2015. Collection method: clinical testing. Allele origin: germline.
Comment: The NM_002693.2:c.1736G>A (NP_002684.1:p.Arg579Gln) [GRCH38: NC_000015.10:g.89325663C>T] variant in POLG gene is interpretated to be a Uncertain Significance based on ACMG guidelines (PMID: 25741868). This variant meets the following evidence codes reported in the ACMG-guideline. BP4:Computational evidence/predictors indicate no impact on the POLG structure, function, or protein-protein interaction. Based on the evidence criteria codes applied, the variant is suggested to be Uncertain Significance.

Eurofins Ntd Llc (ga)
Classification: Uncertain significance. Last evaluated: 2018-05-24. Review status: criteria provided, single submitter. Criteria: EGL ClinVar v180209 classification definitions. Collection method: clinical testing. Allele origin: germline. Observed: 1 variant allele, 1 heterozygote.

Ambry Genetics
Classification: Uncertain significance for Inborn genetic diseases. Last evaluated: 2017-05-24. Review status: criteria provided, single submitter. Criteria: Ambry Variant Classification Scheme 2023. Collection method: clinical testing. Allele origin: germline.
Comment: The p.R579Q variant (also known as c.1736G>A), located in coding exon 9 of the POLG gene, results from a G to A substitution at nucleotide position 1736. The arginine at codon 579 is replaced by glutamine, an amino acid with highly similar properties. This amino acid position is not well conserved in available vertebrate species. In addition, the in silico prediction for this alteration is inconclusive. Since supporting evidence is limited at this time, the clinical significance of this alteration remains unclear.

Literature cited by the submitters: PubMed 21880868 (cited by Athena Diagnostics); PubMed 31440721 (cited by Athena Diagnostics); PubMed 12975295 (cited by Labcorp Genetics (formerly Invitae), Labcorp); PubMed 33486010 (cited by Labcorp Genetics (formerly Invitae), Labcorp).

NM_002693.3(POLG):c.1736G>A (p.Arg579Gln)

Gene: POLG (DNA polymerase gamma, catalytic subunit; minus strand). Cytogenetic location: 15q26.1.
Variant type: single nucleotide variant.
Coding change: c.1736G>A on transcript NM_002693.3 (MANE Select); coding-DNA position 1736, G replaced by A.
Protein change: p.Arg579Gln; replaces arginine 579 with glutamine.
Molecular consequence: missense variant.
Genome position (GRCh38, 1-based): chr15:89,325,663, C>T on the plus strand (G>A on the coding strand, the complement: POLG is on the minus strand). VCF-style: chr15-89325663-C-T. GRCh37 (hg19) VCF-style: chr15-89868894-C-T.
Other names: c.1736G>A, p.Arg579Gln (NM_001126131.2); short protein forms R579Q.
Identifiers: ClinVar variation 588951 (VCV000588951.21), dbSNP rs746406535, ClinGen allele CA7724697.